The following is an entry in ClinVar:

NM_006996.3(SLC19A2):c.1224-4dup

Gene: SLC19A2 (solute carrier family 19 member 2; minus strand). Cytogenetic location: 1q24.2.
Variant type: Duplication.
Coding change: c.1224-4dup on transcript NM_006996.3 (MANE Select); 4 bases into the intron before coding-DNA position 1224, one base duplicated (T; older notation c.1224-4dupT).
Molecular consequence: intron variant.
Genome position (GRCh38, 1-based): chr1:169,468,256, A duplicated on the plus strand (T on the coding strand, the reverse complement: SLC19A2 is on the minus strand); the first of 9 consecutive A bases (chr1:169,468,256-169,468,264); duplicating any one gives the same sequence. VCF-style (leftmost placement, unchanged base first): chr1-169468255-T-TA. GRCh37 (hg19) VCF-style: chr1-169437493-T-TA.
Other names: c.1224-4dupT (NM_006996.2); c.621-4dup (NM_001319667.1).
Identifiers: ClinVar variation 2715405 (VCV002715405.6), dbSNP rs750915834, ClinGen allele CA1232875.

ClinVar aggregate classification (germline): Conflicting classifications of pathogenicity. Review status: criteria provided, conflicting classifications (1 of 4 stars). 4 submissions from 4 submitters: Uncertain significance (1); Benign (1); Likely benign (2). Last evaluated 2026-04-16.

Conditions:
Megaloblastic anemia, thiamine-responsive, with diabetes mellitus and sensorineural deafness (TRMA). Also called: THIAMINE METABOLISM DYSFUNCTION SYNDROME 1 (MEGALOBLASTIC ANEMIA, DIABETES MELLITUS, AND DEAFNESS TYPE); ROGERS SYNDROME; THIAMINE-RESPONSIVE ANEMIA SYNDROME; THIAMINE-RESPONSIVE MYELODYSPLASIA; Thiamine-Responsive Megaloblastic Anemia Syndrome. Identifiers: Orphanet 49827, MedGen C0342287, MONDO:0009575, OMIM 249270.
SLC19A2-related disorder. Also called: SLC19A2-related condition.

Submissions (4):

PreventionGenetics, part of Exact Sciences
Classification: Likely benign for SLC19A2-related condition. Last evaluated: 2026-04-16. Review status: criteria provided, single submitter. Criteria: ACMG Guidelines, 2015. Collection method: clinical testing. Allele origin: germline.
Comment: This variant is classified as likely benign based on ACMG/AMP sequence variant interpretation guidelines (Richards et al. 2015 PMID: 25741868, with internal and published modifications).

Blueprint Genetics
Classification: Likely benign. Last evaluated: 2024-11-17. Review status: criteria provided, single submitter. Criteria: ACMG Guidelines, 2015. Collection method: clinical testing. Allele origin: germline.

Fulgent Genetics
Classification: Uncertain significance for Megaloblastic anemia, thiamine-responsive, with diabetes mellitus and sensorineural deafness. Last evaluated: 2024-05-01. Review status: criteria provided, single submitter. Criteria: ACMG Guidelines, 2015. Collection method: clinical testing. Allele origin: germline.

Labcorp Genetics (formerly Invitae), Labcorp
Classification: Benign. Last evaluated: 2023-11-14. Review status: criteria provided, single submitter. Criteria: Invitae Variant Classification Sherloc (09022015). Collection method: clinical testing. Allele origin: germline.